The following is an entry in ClinVar:

ClinVar aggregate classification (germline): Uncertain significance (1 of 4 stars; one submission).

Submission:

Labcorp Genetics (formerly Invitae), Labcorp
Classification: Uncertain significance. Last evaluated: 2024-04-29. Review status: criteria provided, single submitter. Criteria: Invitae Variant Classification Sherloc (09022015). Collection method: clinical testing. Allele origin: germline.
Comment: This sequence change replaces tyrosine, which is neutral and polar, with cysteine, which is neutral and slightly polar, at codon 168 of the MGME1 protein (p.Tyr168Cys). This variant is not present in population databases (gnomAD no frequency). This variant has not been reported in the literature in individuals affected with MGME1-related conditions. Advanced modeling of protein sequence and biophysical properties (such as structural, functional, and spatial information, amino acid conservation, physicochemical variation, residue mobility, and thermodynamic stability) performed at Invitae indicates that this missense variant is expected to disrupt MGME1 protein function with a positive predictive value of 80%. In summary, the available evidence is currently insufficient to determine the role of this variant in disease. Therefore, it has been classified as a Variant of Uncertain Significance.

NM_052865.4(MGME1):c.503A>G (p.Tyr168Cys)

Genes: MGME1 (mitochondrial genome maintenance exonuclease 1; plus strand), LOC126862983 (CDK7 strongly-dependent group 2 enhancer GRCh37_chr20:17950167-17951366; plus strand). Cytogenetic location: 20p11.23.
Variant type: single nucleotide variant.
Coding change: c.503A>G on transcript NM_052865.4 (MANE Select); coding-DNA position 503, A replaced by G.
Protein change: p.Tyr168Cys; replaces tyrosine 168 with cysteine.
Molecular consequence: missense variant. On other transcripts: intron variant (1).
Genome position (GRCh38, 1-based): chr20:17,970,362, A>G. VCF-style: chr20-17970362-A-G. GRCh37 (hg19) VCF-style: chr20-17951005-A-G.
Other names: c.503A>G, p.Tyr168Cys (NM_001310338.2, NM_001310339.2); c.271+232A>G (NM_001363738.2); short protein forms Y168C.
Identifiers: ClinVar variation 3693797 (VCV003693797.2).